The following is an entry in ClinVar:

NM_025137.4(SPG11):c.6944A>C (p.Asn2315Thr)

Gene: SPG11 (SPG11 vesicle trafficking associated, spatacsin; minus strand). Cytogenetic location: 15q21.1.
Variant type: single nucleotide variant.
Coding change: c.6944A>C on transcript NM_025137.4 (MANE Select); coding-DNA position 6944, A replaced by C.
Protein change: p.Asn2315Thr; replaces asparagine 2315 with threonine.
Molecular consequence: missense variant.
Genome position (GRCh38, 1-based): chr15:44,565,909, T>G on the plus strand (A>C on the coding strand, the complement: SPG11 is on the minus strand). VCF-style: chr15-44565909-T-G. GRCh37 (hg19) VCF-style: chr15-44858107-T-G.
Other names: c.6605A>C, p.Asn2202Thr (NM_001160227.2); short protein forms N2315T, N2202T.
Identifiers: ClinVar variation 534836 (VCV000534836.24), dbSNP rs200276333, ClinGen allele CA7533946.

ClinVar aggregate classification (germline): Conflicting classifications of pathogenicity. Review status: criteria provided, conflicting classifications (1 of 4 stars). 11 submissions from 9 submitters: Uncertain significance (7); Likely benign (1). 3 of the submissions do not count toward it. Last evaluated 2026-01-25.

Conditions:
Inborn genetic diseases. Identifiers: MedGen C0950123, MeSH D030342.
SPG11-related disorder. Also called: SPG11-related condition.
Charcot-Marie-Tooth disease axonal type 2X. Also called: CHARCOT-MARIE-TOOTH DISEASE, AXONAL, AUTOSOMAL RECESSIVE, TYPE 2X; CHARCOT-MARIE-TOOTH NEUROPATHY, TYPE 2X. Identifiers: Orphanet 466775, MedGen C5569024, MONDO:0014726, OMIM 616668.
Amyotrophic lateral sclerosis type 5 (ALS5). Also called: AMYOTROPHIC LATERAL SCLEROSIS 5, JUVENILE. Identifiers: Orphanet 300605, MedGen C1865864, MONDO:0011196, OMIM 602099.
Hereditary spastic paraplegia 11. Also called: Nakamura Osame syndrome; Autosomal recessive hereditary spastic paraplegia, mental impairment, and thin corpus callosum; Spastic paraplegia, mental retardation and thin corpus callosum; SPASTIC PARAPLEGIA, AUTOSOMAL RECESSIVE, COMPLICATED, WITH THIN CORPUS CALLOSUM; SPASTIC PARAPLEGIA, AUTOSOMAL RECESSIVE, WITH MENTAL IMPAIRMENT AND THIN CORPUS CALLOSUM; Spastic Paraplegia 11. Identifiers: Orphanet 2822, MedGen C1858479, MONDO:0011445, OMIM 604360.

Allele frequency attached by ClinVar (database versions not stated): gnomAD 0.00006 and 0.00007; TOPMed 0.00011; 1000 Genomes Project 30x 0.00031; 1000 Genomes Project 0.00040.
gnomAD v4.1: 147 of 1,613,584 alleles (0.0091%); highest among the groups gnomAD compares: South Asian, 0.053%; 1 homozygote.

Submissions (11):

Labcorp Genetics (formerly Invitae), Labcorp
Classification: Likely benign for Hereditary spastic paraplegia 11. Last evaluated: 2026-01-25. Review status: criteria provided, single submitter. Criteria: Invitae Variant Classification Sherloc (09022015). Collection method: clinical testing. Allele origin: germline.

GeneDx
Classification: Uncertain significance. Last evaluated: 2024-12-13. Review status: criteria provided, single submitter. Criteria: GeneDx Variant Classification Process June 2021. Collection method: clinical testing. Allele origin: germline. Affected: yes.
Comment: Reported previously in a patient with sporadic ALS; however, no further clinical or segregation information was provided (PMID: 25588603); In silico analysis supports that this missense variant has a deleterious effect on protein structure/function; This variant is associated with the following publications: (PMID: 25588603, 37223130)

Ambry Genetics
Classification: Uncertain significance for Inborn genetic diseases. Last evaluated: 2023-06-28. Review status: criteria provided, single submitter. Criteria: Ambry Variant Classification Scheme 2023. Collection method: clinical testing. Allele origin: germline.

Revvity Omics, Revvity
Classification: Uncertain significance. Last evaluated: 2021-10-15. Review status: criteria provided, single submitter. Criteria: ACMG Guidelines, 2015. Collection method: clinical testing. Allele origin: germline.

Mayo Clinic Laboratories, Mayo Clinic
Classification: Uncertain significance. Last evaluated: 2020-07-23. Review status: criteria provided, single submitter. Criteria: ACMG Guidelines, 2015. Collection method: clinical testing. Allele origin: germline. Observed: 1 variant allele.

Genome-Nilou Lab
Classification: Uncertain significance for Amyotrophic lateral sclerosis type 5. Review status: criteria provided, single submitter. Criteria: ACMG Guidelines, 2015. Collection method: clinical testing. Allele origin: germline.

Genome-Nilou Lab
Classification: Uncertain significance for Charcot-Marie-Tooth disease axonal type 2X. Review status: criteria provided, single submitter. Criteria: ACMG Guidelines, 2015. Collection method: clinical testing. Allele origin: germline.

Genome-Nilou Lab
Classification: Uncertain significance for Hereditary spastic paraplegia 11. Review status: criteria provided, single submitter. Criteria: ACMG Guidelines, 2015. Collection method: clinical testing. Allele origin: germline.

PreventionGenetics, part of Exact Sciences
Classification: Likely benign for SPG11-related condition. Last evaluated: 2024-07-20. Review status: no assertion criteria provided. Collection method: clinical testing. Allele origin: germline. Not counted in ClinVar's aggregate classification.
Comment: This variant is classified as likely benign based on ACMG/AMP sequence variant interpretation guidelines (Richards et al. 2015 PMID: 25741868, with internal and published modifications).

Clinical Genetics, Academic Medical Center
Classification: Uncertain significance. Review status: no assertion criteria provided. Collection method: clinical testing. Allele origin: germline. Affected: yes. Study: VKGL Data-share Consensus. Not counted in ClinVar's aggregate classification.

Diagnostic Laboratory, Department of Genetics, University Medical Center Groningen
Classification: Uncertain significance. Review status: no assertion criteria provided. Collection method: clinical testing. Allele origin: germline. Affected: yes. Study: VKGL Data-share Consensus. Not counted in ClinVar's aggregate classification.

Literature cited by the submitters: PubMed 25588603 (cited by Ambry Genetics); PubMed 37223130 (cited by Ambry Genetics).